The following is an entry in ClinVar:

ClinVar aggregate classification (germline): Likely benign. Review status: criteria provided, multiple submitters, no conflicts (2 of 4 stars). 5 submissions from 5 submitters: Likely benign (5). Last evaluated 2026-07-01.

Conditions:
Cardiovascular phenotype. Identifiers: MedGen CN230736.
Noonan syndrome 9 (NS9). Identifiers: Orphanet 648, MedGen C4225282, MONDO:0014691, OMIM 616559.

Allele frequency attached by ClinVar (database versions not stated): gnomAD exomes 0.00002; ExAC 0.00003; gnomAD 0.00003; TOPMed 0.00005.
gnomAD v4.1: 33 of 1,609,978 alleles (0.002%); highest among the groups gnomAD compares: Admixed American, 0.005%; no homozygotes.

Submissions (5):

CeGaT Center for Human Genetics Tuebingen
Classification: Likely benign. Last evaluated: 2026-07-01. Review status: criteria provided, single submitter. Criteria: CeGaT Center For Human Genetics Tuebingen Variant Classification Criteria Version 2. Collection method: clinical testing. Allele origin: germline. Affected: yes. Observed: 1 variant allele.
Comment: SOS2: BP4, BP7

Labcorp Genetics (formerly Invitae), Labcorp
Classification: Likely benign for Noonan syndrome 9. Last evaluated: 2025-11-05. Review status: criteria provided, single submitter. Criteria: Invitae Variant Classification Sherloc (09022015). Collection method: clinical testing. Allele origin: germline.

Women's Health and Genetics/Laboratory Corporation of America, LabCorp
Classification: Likely benign. Last evaluated: 2020-08-01. Review status: criteria provided, single submitter. Criteria: LabCorp Variant Classification Summary - May 2015. Collection method: clinical testing. Allele origin: germline.

Ambry Genetics
Classification: Likely benign for Cardiovascular phenotype. Last evaluated: 2019-09-27. Review status: criteria provided, single submitter. Criteria: Ambry Variant Classification Scheme 2023. Collection method: clinical testing. Allele origin: germline.

Genome-Nilou Lab
Classification: Likely benign for Noonan syndrome 9. Review status: criteria provided, single submitter. Criteria: ACMG Guidelines, 2015. Collection method: clinical testing. Allele origin: germline.

NM_006939.4(SOS2):c.1005T>C (p.Tyr335=)

Gene: SOS2 (SOS Ras/Rho guanine nucleotide exchange factor 2; minus strand). Cytogenetic location: 14q21.3.
Variant type: single nucleotide variant.
Coding change: c.1005T>C on transcript NM_006939.4 (MANE Select); coding-DNA position 1005, T replaced by C.
Protein change: p.Tyr335=; no amino-acid change (tyrosine 335 retained).
Molecular consequence: synonymous variant.
Genome position (GRCh38, 1-based): chr14:50,174,517, A>G on the plus strand (T>C on the coding strand, the complement: SOS2 is on the minus strand). VCF-style: chr14-50174517-A-G. GRCh37 (hg19) VCF-style: chr14-50641235-A-G.
Identifiers: ClinVar variation 767185 (VCV000767185.13), dbSNP rs753698896, ClinGen allele CA7177367.